The following is an entry in ClinVar:

ClinVar aggregate classification (germline): Pathogenic. Review status: criteria provided, single submitter (1 of 4 stars). 2 submissions from 2 submitters: Pathogenic (1). 1 of the submissions does not count toward it. Last evaluated 2024-05-14.

Conditions:
Glycogen storage disease, type V (GSD5). Also called: MCARDLE DISEASE; PYGM DEFICIENCY; MUSCLE GLYCOGEN PHOSPHORYLASE DEFICIENCY; MYOPHOSPHORYLASE DEFICIENCY; McArdle type glycogen storage disease. Identifiers: Orphanet 368, MedGen C0017924, MONDO:0009293, OMIM 232600.

Submissions (2):

Myriad Genetics, Inc.
Classification: Pathogenic for Glycogen storage disease, type V. Last evaluated: 2024-05-14. Review status: criteria provided, single submitter. Criteria: Myriad Autosomal Dominant, Autosomal Recessive and X-Linked Classification Criteria (2023). Collection method: clinical testing. Allele origin: unknown.
Comment: NM_005609.2(PYGM):c.1621G>T(E541*) is expected to be pathogenic in the context of glycogen storage disease, PYGM-related. This variant is predicted to lead to an abnormal or absent protein product due to the creation of a premature termination codon in PYGM, a gene where loss-of-function variants are known to be pathogenic. Please note: this variant was assessed in the context of healthy population screening.

OMIM
Classification: Pathogenic for MCARDLE DISEASE. Last evaluated: 1999-06-01. Review status: no assertion criteria provided. Collection method: literature only. Allele origin: germline. Not counted in ClinVar's aggregate classification.

Literature cited by the submitters: PubMed 10450796 (cited by OMIM).

NM_005609.4(PYGM):c.1621G>T (p.Glu541Ter)

Gene: PYGM (glycogen phosphorylase, muscle associated; minus strand). Cytogenetic location: 11q13.1.
Variant type: single nucleotide variant.
Coding change: c.1621G>T on transcript NM_005609.4 (MANE Select); coding-DNA position 1621, G replaced by T.
Protein change: p.Glu541Ter; replaces glutamic acid 541 with a stop codon.
Molecular consequence: nonsense.
Genome position (GRCh38, 1-based): chr11:64,752,071, C>A on the plus strand (G>T on the coding strand, the complement: PYGM is on the minus strand). VCF-style: chr11-64752071-C-A. GRCh37 (hg19) VCF-style: chr11-64519543-C-A.
Other names: E540*; c.1357G>T, p.Glu453Ter (NM_001164716.1); short protein forms E541*, E453*.
Identifiers: ClinVar variation 2310 (VCV000002310.2), dbSNP rs119103257, ClinGen allele CA252211.